The following is an entry in ClinVar:

ClinVar aggregate classification (germline): Uncertain significance. Review status: criteria provided, multiple submitters, no conflicts (2 of 4 stars). 2 submissions from 2 submitters: Uncertain significance (2). Last evaluated 2022-12-06.

Allele frequency attached by ClinVar (database versions not stated): gnomAD 0.00001; TOPMed 0.00002; gnomAD exomes 0.00003; ExAC 0.00010.
gnomAD v4.1: 60 of 1,554,582 alleles (0.0039%); highest among the groups gnomAD compares: South Asian, 0.0059%; no homozygotes.

Submissions (2):

Labcorp Genetics (formerly Invitae), Labcorp
Classification: Uncertain significance. Last evaluated: 2022-12-06. Review status: criteria provided, single submitter. Criteria: Invitae Variant Classification Sherloc (09022015). Collection method: clinical testing. Allele origin: germline.
Comment: This sequence change replaces aspartic acid, which is acidic and polar, with asparagine, which is neutral and polar, at codon 245 of the WDR1 protein (p.Asp245Asn). In summary, the available evidence is currently insufficient to determine the role of this variant in disease. Therefore, it has been classified as a Variant of Uncertain Significance. Algorithms developed to predict the effect of sequence changes on RNA splicing suggest that this variant may create or strengthen a splice site. Algorithms developed to predict the effect of missense changes on protein structure and function are either unavailable or do not agree on the potential impact of this missense change (SIFT: "Deleterious"; PolyPhen-2: "Probably Damaging"; Align-GVGD: "Class C0"). ClinVar contains an entry for this variant (Variation ID: 1500938). This variant has not been reported in the literature in individuals affected with WDR1-related conditions. The frequency data for this variant in the population databases is considered unreliable, as metrics indicate poor data quality at this position in the gnomAD database.

Blueprint Genetics
Classification: Uncertain significance. Last evaluated: 2022-07-28. Review status: criteria provided, single submitter. Criteria: ACMG Guidelines, 2015. Collection method: clinical testing. Allele origin: germline.

NM_017491.5(WDR1):c.733G>A (p.Asp245Asn)

Gene: WDR1 (WD repeat domain 1; minus strand). Cytogenetic location: 4p16.1.
Variant type: single nucleotide variant.
Coding change: c.733G>A on transcript NM_017491.5 (MANE Select); coding-DNA position 733, G replaced by A.
Protein change: p.Asp245Asn; replaces aspartic acid 245 with asparagine.
Molecular consequence: missense variant.
Genome position (GRCh38, 1-based): chr4:10,087,925, C>T on the plus strand (G>A on the coding strand, the complement: WDR1 is on the minus strand). VCF-style: chr4-10087925-C-T. GRCh37 (hg19) VCF-style: chr4-10089549-C-T.
Other names: c.313G>A, p.Asp105Asn (NM_005112.5); short protein forms D245N, D105N.
Identifiers: ClinVar variation 1500938 (VCV001500938.5), dbSNP rs776652808, ClinGen allele CA2857893.